The following is an entry in ClinVar:

ClinVar aggregate classification (germline): Uncertain significance (1 of 4 stars; one submission).

Conditions:
Neurodevelopmental disorder with dysmorphic facies and thin corpus callosum. Identifiers: MedGen C5551361, MONDO:0859179, OMIM 619480.

Allele frequency attached by ClinVar (database versions not stated): gnomAD exomes below 0.00001; ExAC 0.00001.
gnomAD v4.1: 5 of 1,611,650 alleles (0.00031%); highest among the groups gnomAD compares: Non-Finnish European, 0.00042%; no homozygotes.

Submission:

Foundation for Research in Genetics and Endocrinology, FRIGE's Institute of Human Genetics
Classification: Uncertain significance for Neurodevelopmental disorder with dysmorphic facies and thin corpus callosum. Last evaluated: 2023-07-01. Review status: criteria provided, single submitter. Criteria: ACMG Guidelines, 2015. Collection method: clinical testing. Allele origin: germline. Inheritance: Autosomal dominant inheritance. Affected: yes. Observed: 1 heterozygote.
Comment: A heterozygous variation in exon 22 of the SUPT16H gene that results in the amino acid substitution of Threonine for Alanine at codon 873 was detected. The observed variant c.2617G>A has not been reported in the 1000 genomes and gnomAD databases. The in silico prediction of the variant are possibly damaging by LRT, MutationTaster2 and Polyphen2. The reference codon is conserved across species. In summary, the variant meets our criteria to be classified as variant of uncertain significance.

NM_007192.4(SUPT16H):c.2617G>A (p.Ala873Thr)

Gene: SUPT16H (SPT16 homolog, facilitates chromatin remodeling subunit; minus strand). Cytogenetic location: 14q11.2.
Variant type: single nucleotide variant.
Coding change: c.2617G>A on transcript NM_007192.4 (MANE Select); coding-DNA position 2617, G replaced by A.
Protein change: p.Ala873Thr; replaces alanine 873 with threonine.
Molecular consequence: missense variant.
Genome position (GRCh38, 1-based): chr14:21,357,240, C>T on the plus strand (G>A on the coding strand, the complement: SUPT16H is on the minus strand). VCF-style: chr14-21357240-C-T. GRCh37 (hg19) VCF-style: chr14-21825399-C-T.
Other names: p.Ala873Thr; short protein forms A873T.
Identifiers: ClinVar variation 2571588 (VCV002571588.2), dbSNP rs764849621, ClinGen allele CA7089787.